The following is an entry in ClinVar:

ClinVar aggregate classification (germline): Uncertain significance. Review status: criteria provided, multiple submitters, no conflicts (2 of 4 stars). 3 submissions from 3 submitters: Uncertain significance (3). Last evaluated 2024-04-24.

Conditions:
Hereditary cancer-predisposing syndrome. Also called: Hereditary neoplastic syndrome; Neoplastic Syndromes, Hereditary; Tumor predisposition; Hereditary Cancer Syndrome. Identifiers: Orphanet 140162, MedGen C0027672, MeSH D009386, MONDO:0015356.
Fanconi anemia complementation group J. Also called: BRIP1-Related Fanconi Anemia. Identifiers: Orphanet 84, MedGen C1836860, MONDO:0012187, OMIM 609054.
Familial cancer of breast. Also called: BREAST CANCER, FAMILIAL; hereditary breast carcinoma; Hereditary breast cancer. Identifiers: Orphanet 227535, MedGen C0346153, MONDO:0016419, OMIM 114480. Disease mechanism: loss of function.

Submissions (3):

Ambry Genetics
Classification: Uncertain significance for Hereditary cancer-predisposing syndrome. Last evaluated: 2024-04-24. Review status: criteria provided, single submitter. Criteria: Ambry Variant Classification Scheme 2023. Collection method: clinical testing. Allele origin: germline.
Comment: The p.I633N variant (also known as c.1898T>A), located in coding exon 12 of the BRIP1 gene, results from a T to A substitution at nucleotide position 1898. The isoleucine at codon 633 is replaced by asparagine, an amino acid with dissimilar properties. This amino acid position is conserved. In addition, this alteration is predicted to be tolerated by in silico analysis. Based on the available evidence, the clinical significance of this variant remains unclear.

Labcorp Genetics (formerly Invitae), Labcorp
Classification: Uncertain significance for Familial cancer of breast; Fanconi anemia complementation group J. Last evaluated: 2021-08-28. Review status: criteria provided, single submitter. Criteria: Invitae Variant Classification Sherloc (09022015). Collection method: clinical testing. Allele origin: germline.
Comment: This sequence change replaces isoleucine with asparagine at codon 633 of the BRIP1 protein (p.Ile633Asn). The isoleucine residue is highly conserved and there is a large physicochemical difference between isoleucine and asparagine. This variant is not present in population databases (ExAC no frequency). This variant has not been reported in the literature in individuals affected with BRIP1-related conditions. Algorithms developed to predict the effect of missense changes on protein structure and function are either unavailable or do not agree on the potential impact of this missense change (SIFT: "Tolerated"; PolyPhen-2: "Probably Damaging"; Align-GVGD: "Class C0"). In summary, the available evidence is currently insufficient to determine the role of this variant in disease. Therefore, it has been classified as a Variant of Uncertain Significance.

GeneDx
Classification: Uncertain significance. Last evaluated: 2020-09-11. Review status: criteria provided, single submitter. Criteria: GeneDx Variant Classification Process June 2021. Collection method: clinical testing. Allele origin: germline. Affected: yes.
Comment: Not observed in large population cohorts (Lek et al., 2016); In silico analysis supports that this missense variant has a deleterious effect on protein structure/function; Has not been previously published as pathogenic or benign to our knowledge

NM_032043.3(BRIP1):c.1898T>A (p.Ile633Asn)

Gene: BRIP1 (BRCA1 interacting DNA helicase 1; minus strand). Cytogenetic location: 17q23.2.
Variant type: single nucleotide variant.
Coding change: c.1898T>A on transcript NM_032043.3 (MANE Select); coding-DNA position 1898, T replaced by A.
Protein change: p.Ile633Asn; replaces isoleucine 633 with asparagine.
Molecular consequence: missense variant.
Genome position (GRCh38, 1-based): chr17:61,780,298, A>T on the plus strand (T>A on the coding strand, the complement: BRIP1 is on the minus strand). VCF-style: chr17-61780298-A-T. GRCh37 (hg19) VCF-style: chr17-59857659-A-T.
Other names: short protein forms I633N.
Identifiers: ClinVar variation 1026858 (VCV001026858.10), dbSNP rs587780232, ClinGen allele CA400479295.